The following is an entry in ClinVar:

ClinVar aggregate classification (germline): Uncertain significance. Review status: criteria provided, multiple submitters, no conflicts (2 of 4 stars). 2 submissions from 2 submitters: Uncertain significance (2). Last evaluated 2022-08-09.

Conditions:
Tay-Sachs disease (TSD). Also called: HEXA Disorders; HEXA DEFICIENCY; GM2 gangliosidosis, type 1; Hexosaminidase alpha-subunit deficiency (variant B); Sphingolipidosis, Tay-Sachs; Hexosaminidase A Deficiency. Identifiers: Orphanet 845, MedGen C0039373, MONDO:0010100, OMIM 272800.

Allele frequency attached by ClinVar (database versions not stated): TOPMed 0.00001.
gnomAD v4.1: 5 of 1,613,800 alleles (0.00031%); highest among the groups gnomAD compares: Admixed American, 0.0033%; no homozygotes.

Submissions (2):

Labcorp Genetics (formerly Invitae), Labcorp
Classification: Uncertain significance for Tay-Sachs disease. Last evaluated: 2022-08-09. Review status: criteria provided, single submitter. Criteria: Invitae Variant Classification Sherloc (09022015). Collection method: clinical testing. Allele origin: germline.
Comment: This sequence change replaces threonine, which is neutral and polar, with proline, which is neutral and non-polar, at codon 303 of the HEXA protein (p.Thr303Pro). This variant is not present in population databases (gnomAD no frequency). This variant has not been reported in the literature in individuals affected with HEXA-related conditions. ClinVar contains an entry for this variant (Variation ID: 1328994). Algorithms developed to predict the effect of missense changes on protein structure and function (SIFT, PolyPhen-2, Align-GVGD) all suggest that this variant is likely to be tolerated. In summary, the available evidence is currently insufficient to determine the role of this variant in disease. Therefore, it has been classified as a Variant of Uncertain Significance.

Women's Health and Genetics/Laboratory Corporation of America, LabCorp
Classification: Uncertain significance. Last evaluated: 2021-11-15. Review status: criteria provided, single submitter. Criteria: LabCorp Variant Classification Summary - May 2015. Collection method: clinical testing. Allele origin: germline.

NM_000520.6(HEXA):c.907A>C (p.Thr303Pro)

Gene: HEXA (hexosaminidase subunit alpha; minus strand). Cytogenetic location: 15q23.
Variant type: single nucleotide variant.
Coding change: c.907A>C on transcript NM_000520.6 (MANE Select); coding-DNA position 907, A replaced by C.
Protein change: p.Thr303Pro; replaces threonine 303 with proline.
Molecular consequence: missense variant. On other transcripts: non-coding transcript variant (1).
Genome position (GRCh38, 1-based): chr15:72,349,158, T>G on the plus strand (A>C on the coding strand, the complement: HEXA is on the minus strand). VCF-style: chr15-72349158-T-G. GRCh37 (hg19) VCF-style: chr15-72641499-T-G.
Other names: c.940A>C, p.Thr314Pro (NM_001318825.2); short protein forms T303P, T314P.
Identifiers: ClinVar variation 1328994 (VCV001328994.6), dbSNP rs759837903, ClinGen allele CA393062423.